The following is an entry in ClinVar:

NM_001099274.3(TINF2):c.659C>T (p.Pro220Leu)

Gene: TINF2 (TERF1 interacting nuclear factor 2; minus strand). Cytogenetic location: 14q12.
Variant type: single nucleotide variant.
Coding change: c.659C>T on transcript NM_001099274.3 (MANE Select); coding-DNA position 659, C replaced by T.
Protein change: p.Pro220Leu; replaces proline 220 with leucine.
Molecular consequence: missense variant.
Genome position (GRCh38, 1-based): chr14:24,240,821, G>A on the plus strand (C>T on the coding strand, the complement: TINF2 is on the minus strand). VCF-style: chr14-24240821-G-A. GRCh37 (hg19) VCF-style: chr14-24710027-G-A.
Other names: c.554C>T, p.Pro185Leu (NM_001363668.2); c.659C>T, p.Pro220Leu (NM_012461.3); short protein forms P185L, P220L.
Identifiers: ClinVar variation 844936 (VCV000844936.9), dbSNP rs2040560743, ClinGen allele CA389229493.
Genomic context (GRCh38, chr14:24,240,821, plus strand): 5'-AGATGTGTGCCAGGCTTGGCTTTTGGCAGGGGATTGTGGAGTGCTAGTCTTTGTTGCTGA[G>A]GAGGATTCTGTTCCATGGGCTCAGCCAGGTTCACTGAGTCAGTAACAGAGCACTCTGAAA-3'
Protein context (NP_001092744.1, residues 210-230): NLAEPMEQNP[Pro220Leu]QQQRLALHNP

ClinVar aggregate classification (germline): Uncertain significance (1 of 4 stars; one submission).

Conditions:
Dyskeratosis congenita. Identifiers: Orphanet 1775, MedGen C0265965, MONDO:0015780.

Submission:

Labcorp Genetics (formerly Invitae), Labcorp
Classification: Uncertain significance for Dyskeratosis congenita. Last evaluated: 2019-04-19. Review status: criteria provided, single submitter. Criteria: Invitae Variant Classification Sherloc (09022015). Collection method: clinical testing. Allele origin: germline.
Comment: In summary, the available evidence is currently insufficient to determine the role of this variant in disease. Therefore, it has been classified as a Variant of Uncertain Significance. Algorithms developed to predict the effect of missense changes on protein structure and function (SIFT, PolyPhen-2, Align-GVGD) all suggest that this variant is likely to be tolerated, but these predictions have not been confirmed by published functional studies and their clinical significance is uncertain. This variant has not been reported in the literature in individuals with TINF2-related conditions. This variant is not present in population databases (ExAC no frequency). This sequence change replaces proline with leucine at codon 220 of the TINF2 protein (p.Pro220Leu). The proline residue is highly conserved and there is a moderate physicochemical difference between proline and leucine.